The following is an entry in ClinVar:

NM_012154.5(AGO2):c.835T>C (p.Tyr279His)

Gene: AGO2 (argonaute RISC catalytic component 2; minus strand). Cytogenetic location: 8q24.3.
Variant type: single nucleotide variant.
Coding change: c.835T>C on transcript NM_012154.5 (MANE Select); coding-DNA position 835, T replaced by C.
Protein change: p.Tyr279His; replaces tyrosine 279 with histidine.
Molecular consequence: missense variant.
Genome position (GRCh38, 1-based): chr8:140,558,528, A>G on the plus strand (T>C on the coding strand, the complement: AGO2 is on the minus strand). VCF-style: chr8-140558528-A-G. GRCh37 (hg19) VCF-style: chr8-141568627-A-G.
Other names: c.835T>C, p.Tyr279His (NM_001164623.3); short protein forms Y279H.
Identifiers: ClinVar variation 4855764 (VCV004855764.1).

ClinVar aggregate classification (germline): Uncertain significance (1 of 4 stars; one submission).

Conditions:
Lessel-Kreienkamp syndrome. Identifiers: MedGen C5436892, MONDO:0030897, OMIM 619149.

Submission:

3billion
Classification: Uncertain significance for Lessel-Kreienkamp syndrome. Last evaluated: 2025-09-17. Review status: criteria provided, single submitter. Criteria: ACMG Guidelines, 2015. Collection method: clinical testing. Allele origin: germline. Affected: yes.
Comment: The variant is not observed in the gnomAD v4.1.0 dataset. Predicted Consequence/Location: Missense variant. Missense changes are a common disease-causing mechanism. Damaging effect on gene or gene product predicted by in silico programs is uncertain [REVEL: 0.53 (damaging >=0.6, benign <0.4), 3Cnet: 0.56 (damaging >0.75, benign <0.1)]. Therefore, this variant is classified as VUS according to the recommendation of ACMG/AMP guideline.